The following is an entry in ClinVar:

NM_005477.3(HCN4):c.1948A>C (p.Thr650Pro)

Gene: HCN4 (hyperpolarization activated cyclic nucleotide gated potassium channel 4; minus strand). Cytogenetic location: 15q24.1.
Variant type: single nucleotide variant.
Coding change: c.1948A>C on transcript NM_005477.3 (MANE Select); coding-DNA position 1948, A replaced by C.
Protein change: p.Thr650Pro; replaces threonine 650 with proline.
Molecular consequence: missense variant.
Genome position (GRCh38, 1-based): chr15:73,324,985, T>G on the plus strand (A>C on the coding strand, the complement: HCN4 is on the minus strand). VCF-style: chr15-73324985-T-G. GRCh37 (hg19) VCF-style: chr15-73617326-T-G.
Other names: short protein forms T650P.
Identifiers: ClinVar variation 1357199 (VCV001357199.8), dbSNP rs2151215401, ClinGen allele CA393090524.
Genomic context (GRCh38, chr15:73,324,985, plus strand): 5'-CCTGTCCCCCAGGGCCCAGGGCTGCCTCACCTCCAAAGTAGGAGCCGTCGGCCAGCTTGG[T>G]CTCCTTGTTGCCCTTGGTGAGCACGCTGACCACGCCATGCTGGATGAAGTACATCTTCTT-3'
Protein context (NP_005468.1, residues 640-660): VSVLTKGNKE[Thr650Pro]KLADGSYFGE

ClinVar aggregate classification (germline): Uncertain significance (1 of 4 stars; one submission).

Conditions:
Brugada syndrome 8 (BRGDA8). Identifiers: Orphanet 130, MedGen C2751083, MONDO:0013148, OMIM 613123.

Submission:

Labcorp Genetics (formerly Invitae), Labcorp
Classification: Uncertain significance for Brugada syndrome 8. Last evaluated: 2021-04-23. Review status: criteria provided, single submitter. Criteria: Invitae Variant Classification Sherloc (09022015). Collection method: clinical testing. Allele origin: germline.
Comment: This sequence change replaces threonine with proline at codon 650 of the HCN4 protein (p.Thr650Pro). The threonine residue is highly conserved and there is a small physicochemical difference between threonine and proline. This variant is not present in population databases (ExAC no frequency). In summary, the available evidence is currently insufficient to determine the role of this variant in disease. Therefore, it has been classified as a Variant of Uncertain Significance. This variant has not been reported in the literature in individuals with HCN4-related conditions. Advanced modeling of protein sequence and biophysical properties (such as structural, functional, and spatial information, amino acid conservation, physicochemical variation, residue mobility, and thermodynamic stability) performed at Invitae indicates that this missense variant is expected to disrupt HCN4 protein function.